The following is an entry in ClinVar:

NM_002386.4(MC1R):c.931G>A (p.Glu311Lys)

Gene: MC1R (melanocortin 1 receptor; plus strand). Cytogenetic location: 16q24.3.
Variant type: single nucleotide variant.
Coding change: c.931G>A on transcript NM_002386.4 (MANE Select); coding-DNA position 931, G replaced by A.
Protein change: p.Glu311Lys; replaces glutamic acid 311 with lysine.
Molecular consequence: missense variant.
Genome position (GRCh38, 1-based): chr16:89,920,189, G>A. VCF-style: chr16-89920189-G-A. GRCh37 (hg19) VCF-style: chr16-89986597-G-A.
Other names: short protein forms E311K.
Identifiers: ClinVar variation 4859658 (VCV004859658.1).

ClinVar aggregate classification (germline): Uncertain significance (1 of 4 stars; one submission).

Submission:

Ambry Genetics
Classification: Uncertain significance. Last evaluated: 2026-04-19. Review status: criteria provided, single submitter. Criteria: Ambry Variant Classification Scheme 2023. Collection method: clinical testing. Allele origin: germline.
Comment: The p.E311K variant (also known as c.931G>A), located in coding exon 1 of the MC1R gene, results from a G to A substitution at nucleotide position 931. The glutamic acid at codon 311 is replaced by lysine, an amino acid with similar properties. This amino acid position is conserved. In addition, the in silico prediction for this alteration is inconclusive. Based on the available evidence, the clinical significance of this variant remains unclear.